The following is an entry in ClinVar:

ClinVar aggregate classification (germline): Benign (0 of 4 stars; one submission).

Conditions:
FSIP2-related disorder. Also called: FSIP2-related condition.

Allele frequency attached by ClinVar (database versions not stated): gnomAD exomes 0.00194; ExAC 0.00374; gnomAD 0.01831; TOPMed 0.02022; 1000 Genomes Project 0.02396; 1000 Genomes Project 30x 0.02530.
gnomAD v4.1: 5,574 of 1,531,054 alleles (0.36%); highest among the groups gnomAD compares: African/African-American, 6.4%; 158 homozygotes.

Submission:

PreventionGenetics, part of Exact Sciences
Classification: Benign for FSIP2-related condition. Last evaluated: 2019-02-20. Review status: no assertion criteria provided. Collection method: clinical testing. Allele origin: germline.
Comment: This variant is classified as benign based on ACMG/AMP sequence variant interpretation guidelines (Richards et al. 2015 PMID: 25741868, with internal and published modifications).

NM_173651.4(FSIP2):c.14188A>C (p.Ile4730Leu)

Gene: FSIP2 (fibrous sheath interacting protein 2; plus strand). Cytogenetic location: 2q32.1.
Variant type: single nucleotide variant.
Coding change: c.14188A>C on transcript NM_173651.4 (MANE Select); coding-DNA position 14188, A replaced by C.
Protein change: p.Ile4730Leu; replaces isoleucine 4730 with leucine.
Molecular consequence: missense variant.
Genome position (GRCh38, 1-based): chr2:185,803,494, A>C. VCF-style: chr2-185803494-A-C. GRCh37 (hg19) VCF-style: chr2-186668221-A-C.
Other names: short protein forms I4730L.
Identifiers: ClinVar variation 3055248 (VCV003055248.2), dbSNP rs11885851, ClinGen allele CA2017066.